The following is an entry in ClinVar:

ClinVar aggregate classification (germline): Uncertain significance (1 of 4 stars; one submission).

gnomAD v4.1: 8 of 1,602,424 alleles (0.0005%); highest among the groups gnomAD compares: Non-Finnish European, 0.00068%; no homozygotes.

Submission:

Labcorp Genetics (formerly Invitae), Labcorp
Classification: Uncertain significance. Last evaluated: 2024-05-09. Review status: criteria provided, single submitter. Criteria: Invitae Variant Classification Sherloc (09022015). Collection method: clinical testing. Allele origin: germline.
Comment: This sequence change replaces leucine, which is neutral and non-polar, with valine, which is neutral and non-polar, at codon 126 of the POC5 protein (p.Leu126Val). This variant is present in population databases (rs766068031, gnomAD 0.002%). This variant has not been reported in the literature in individuals affected with POC5-related conditions. An algorithm developed to predict the effect of missense changes on protein structure and function (PolyPhen-2) suggests that this variant is likely to be disruptive. In summary, the available evidence is currently insufficient to determine the role of this variant in disease. Therefore, it has been classified as a Variant of Uncertain Significance.

NM_001099271.2(POC5):c.376T>G (p.Leu126Val)

Gene: POC5 (POC5 centriolar protein; minus strand). Cytogenetic location: 5q13.3.
Variant type: single nucleotide variant.
Coding change: c.376T>G on transcript NM_001099271.2 (MANE Select); coding-DNA position 376, T replaced by G.
Protein change: p.Leu126Val; replaces leucine 126 with valine.
Molecular consequence: missense variant.
Genome position (GRCh38, 1-based): chr5:75,702,742, A>C on the plus strand (T>G on the coding strand, the complement: POC5 is on the minus strand). VCF-style: chr5-75702742-A-C. GRCh37 (hg19) VCF-style: chr5-74998567-A-C.
Other names: c.301T>G, p.Leu101Val (NM_152408.3); short protein forms L101V, L126V.
Identifiers: ClinVar variation 3622967 (VCV003622967.2).